The following is an entry in ClinVar:

NM_000535.7(PMS2):c.2519C>T (p.Pro840Leu)

Gene: PMS2 (PMS1 homolog 2, mismatch repair system component; minus strand). Cytogenetic location: 7p22.1.
Variant type: single nucleotide variant.
Coding change: c.2519C>T on transcript NM_000535.7 (MANE Select); coding-DNA position 2519, C replaced by T.
Protein change: p.Pro840Leu; replaces proline 840 with leucine.
Molecular consequence: missense variant. On other transcripts: non-coding transcript variant (1).
Genome position (GRCh38, 1-based): chr7:5,973,469, G>A on the plus strand (C>T on the coding strand, the complement: PMS2 is on the minus strand). VCF-style: chr7-5973469-G-A. GRCh37 (hg19) VCF-style: chr7-6013100-G-A.
Other names: c.2114C>T, p.Pro705Leu (NM_001322003.2, NM_001322004.2, NM_001322005.2); c.2363C>T, p.Pro788Leu (NM_001322006.2); c.2201C>T, p.Pro734Leu (NM_001322007.2, NM_001322008.2); c.2147C>T, p.Pro716Leu (NM_001322009.2); c.1958C>T, p.Pro653Leu (NM_001322010.2); c.1586C>T, p.Pro529Leu (NM_001322011.2, NM_001322012.2); c.1946C>T, p.Pro649Leu (NM_001322013.2); c.2552C>T, p.Pro851Leu (NM_001322014.2); and 1 more; short protein forms P840L, P653L, P705L, P737L, P851L, P529L, P649L, P734L.
Identifiers: ClinVar variation 548754 (VCV000548754.9), dbSNP rs1554292787, ClinGen allele CA366734879.

ClinVar aggregate classification (germline): Uncertain significance. Review status: criteria provided, multiple submitters, no conflicts (2 of 4 stars). 5 submissions from 5 submitters: Uncertain significance (4). 1 of the submissions does not count toward it. Last evaluated 2025-10-09.

Conditions:
Hereditary cancer-predisposing syndrome. Also called: Hereditary Cancer Syndrome; Hereditary neoplastic syndrome; Tumor predisposition; Neoplastic Syndromes, Hereditary. Identifiers: Orphanet 140162, MedGen C0027672, MeSH D009386, MONDO:0015356.
Lynch syndrome 4 (LYNCH4). Also called: Hereditary non-polyposis colorectal cancer, type 4; Colorectal cancer, hereditary nonpolyposis, type 4. Identifiers: Orphanet 144, MedGen C1838333, MONDO:0013699, OMIM 614337. Disease mechanism: loss of function.

Submissions (5):

Women's Health and Genetics/Laboratory Corporation of America, LabCorp
Classification: Uncertain significance. Last evaluated: 2025-10-09. Review status: criteria provided, single submitter. Criteria: LabCorp Variant Classification Summary - May 2015. Collection method: clinical testing. Allele origin: germline.

Ambry Genetics
Classification: Uncertain significance for Hereditary cancer-predisposing syndrome. Last evaluated: 2025-02-02. Review status: criteria provided, single submitter. Criteria: Ambry Variant Classification Scheme 2023. Collection method: clinical testing. Allele origin: germline.
Comment: The p.P840L variant (also known as c.2519C>T), located in coding exon 15 of the PMS2 gene, results from a C to T substitution at nucleotide position 2519. The proline at codon 840 is replaced by leucine, an amino acid with similar properties. This amino acid position is conserved. In addition, this alteration is predicted to be deleterious by in silico analysis. Since supporting evidence is limited at this time, the clinical significance of this alteration remains unclear.

Color Diagnostics, LLC DBA Color Health
Classification: Uncertain significance for Hereditary cancer-predisposing syndrome. Last evaluated: 2023-10-26. Review status: criteria provided, single submitter. Criteria: ACMG Guidelines, 2015. Collection method: clinical testing. Allele origin: germline.
Comment: This missense variant replaces proline with leucine at codon 840 of the PMS2 protein. Computational prediction suggests that this variant may have deleterious impact on protein structure and function (internally defined REVEL score threshold >= 0.7, PMID: 27666373). To our knowledge, functional studies have not been reported for this variant. This variant has not been reported in individuals affected with PMS2-related disorders in the literature. This variant has not been identified in the general population by the Genome Aggregation Database (gnomAD). The available evidence is insufficient to determine the role of this variant in disease conclusively. Therefore, this variant is classified as a Variant of Uncertain Significance.

Myriad Genetics, Inc.
Classification: Uncertain significance for Lynch syndrome 4. Last evaluated: 2023-04-03. Review status: criteria provided, single submitter. Criteria: Myriad Autosomal Dominant, Autosomal Recessive and X-Linked Classification Criteria (2023). Collection method: clinical testing. Allele origin: unknown.
Comment: This variant is classified as a variant of uncertain significance as there is insufficient evidence to determine its impact on protein function and/or cancer risk.

Counsyl
Classification: Uncertain significance for Lynch syndrome 4. Last evaluated: 2017-07-07. Review status: no assertion criteria provided. Collection method: clinical testing. Allele origin: unknown. Not counted in ClinVar's aggregate classification.